The following is an entry in ClinVar:

NM_058172.6(ANTXR2):c.1068C>G (p.Pro356=)

Gene: ANTXR2 (ANTXR cell adhesion molecule 2; minus strand). Cytogenetic location: 4q21.21.
Variant type: single nucleotide variant.
Coding change: c.1068C>G on transcript NM_058172.6 (MANE Select); coding-DNA position 1068, C replaced by G.
Protein change: p.Pro356=; no amino-acid change (proline 356 retained).
Molecular consequence: synonymous variant.
Genome position (GRCh38, 1-based): chr4:79,984,837, G>C on the plus strand (C>G on the coding strand, the complement: ANTXR2 is on the minus strand). VCF-style: chr4-79984837-G-C. GRCh37 (hg19) VCF-style: chr4-80905991-G-C.
Other names: c.1068C>G, p.Pro356= (NM_001145794.2); c.837C>G, p.Pro279= (NM_001286780.2, NM_001286781.2).
Identifiers: ClinVar variation 349875 (VCV000349875.11), dbSNP rs72653288, ClinGen allele CA2981740.
Genomic context (GRCh38, chr4:79,984,837, plus strand): 5'-AAAAAAAAAACAGCCATATCAGTTTTTTAGGCACTCACTTACCTCTTTTGGTGCAGGGGC[G>C]GGTGGTGGTGGAGGATCCTTAATAACCTGTCAAAAAAAATCAAATATAAAAATTTCTATG-3'
Protein context (NP_477520.2, residues 346-366): KVVIKDPPPP[Pro356=]APAPKEEEEE

ClinVar aggregate classification (germline): Benign/Likely benign. Review status: criteria provided, multiple submitters, no conflicts (2 of 4 stars). 3 submissions from 3 submitters: Benign (2); Likely benign (1). Last evaluated 2026-01-11.

Conditions:
Hyaline fibromatosis syndrome (HFS). Also called: Hyalinosis, Inherited Systemic; HYALINOSIS, SYSTEMIC. Identifiers: Orphanet 2028, Orphanet 498474, MedGen C5574677, MONDO:0009229, OMIM 228600.

Allele frequency attached by ClinVar (database versions not stated): 1000 Genomes Project 30x 0.00156; 1000 Genomes Project 0.00200.
gnomAD v4.1: 930 of 1,605,700 alleles (0.058%); highest among the groups gnomAD compares: East Asian, 1.7%; 10 homozygotes.

Submissions (3):

Labcorp Genetics (formerly Invitae), Labcorp
Classification: Benign. Last evaluated: 2026-01-11. Review status: criteria provided, single submitter. Criteria: Invitae Variant Classification Sherloc (09022015). Collection method: clinical testing. Allele origin: germline.

Blueprint Genetics
Classification: Likely benign. Last evaluated: 2024-11-14. Review status: criteria provided, single submitter. Criteria: ACMG Guidelines, 2015. Collection method: clinical testing. Allele origin: germline.

Illumina Laboratory Services, Illumina
Classification: Benign for Hyaline fibromatosis syndrome. Last evaluated: 2018-01-13. Review status: criteria provided, single submitter. Criteria: ICSL Variant Classification Criteria 13 December 2019. Collection method: clinical testing. Allele origin: germline.
Comment: This variant was observed in the ICSL laboratory as part of a predisposition screen in an ostensibly healthy population. It had not been previously curated by ICSL or reported in the Human Gene Mutation Database (HGMD: prior to June 1st, 2018), and was therefore a candidate for classification through an automated scoring system. Utilizing variant allele frequency, disease prevalence and penetrance estimates, and inheritance mode, an automated score was calculated to assess if this variant is too frequent to cause the disease. Based on the score and internal cut-off values, a variant classified as benign is not then subjected to further curation. The score for this variant resulted in a classification of benign for this disease.